The following is an entry in ClinVar:

NM_000257.4(MYH7):c.4190T>C (p.Leu1397Pro)

Gene: MYH7 (myosin heavy chain 7; minus strand). Cytogenetic location: 14q11.2.
Variant type: single nucleotide variant.
Coding change: c.4190T>C on transcript NM_000257.4 (MANE Select); coding-DNA position 4190, T replaced by C.
Protein change: p.Leu1397Pro; replaces leucine 1397 with proline.
Molecular consequence: missense variant.
Genome position (GRCh38, 1-based): chr14:23,417,666, A>G on the plus strand (T>C on the coding strand, the complement: MYH7 is on the minus strand). VCF-style: chr14-23417666-A-G. GRCh37 (hg19) VCF-style: chr14-23886875-A-G.
Other names: short protein forms L1397P.
Identifiers: ClinVar variation 1038979 (VCV001038979.9), dbSNP rs1892280463, ClinGen allele CA389040568.

ClinVar aggregate classification (germline): Uncertain significance. Review status: criteria provided, multiple submitters, no conflicts (2 of 4 stars). 2 submissions from 2 submitters: Uncertain significance (2). Last evaluated 2025-06-03.

Conditions:
Hypertrophic cardiomyopathy. Also called: HYPERTROPHIC MYOCARDIOPATHY. Identifiers: Orphanet 217569, MedGen C0007194, MeSH D002312, MONDO:0005045, HP:0001639.
Cardiovascular phenotype. Identifiers: MedGen CN230736.

Submissions (2):

Labcorp Genetics (formerly Invitae), Labcorp
Classification: Uncertain significance for Hypertrophic cardiomyopathy. Last evaluated: 2025-06-03. Review status: criteria provided, single submitter. Criteria: Invitae Variant Classification Sherloc (09022015). Collection method: clinical testing. Allele origin: germline.
Comment: This sequence change replaces leucine, which is neutral and non-polar, with proline, which is neutral and non-polar, at codon 1397 of the MYH7 protein (p.Leu1397Pro). This variant is not present in population databases (gnomAD no frequency). This variant has not been reported in the literature in individuals affected with MYH7-related conditions. ClinVar contains an entry for this variant (Variation ID: 1038979). Invitae Evidence Modeling of protein sequence and biophysical properties (such as structural, functional, and spatial information, amino acid conservation, physicochemical variation, residue mobility, and thermodynamic stability) indicates that this missense variant is expected to disrupt MYH7 protein function with a positive predictive value of 95%. In summary, the available evidence is currently insufficient to determine the role of this variant in disease. Therefore, it has been classified as a Variant of Uncertain Significance.

Ambry Genetics
Classification: Uncertain significance for Cardiovascular phenotype. Last evaluated: 2023-01-17. Review status: criteria provided, single submitter. Criteria: Ambry Variant Classification Scheme 2023. Collection method: clinical testing. Allele origin: germline.
Comment: The p.L1397P variant (also known as c.4190T>C), located in coding exon 29 of the MYH7 gene, results from a T to C substitution at nucleotide position 4190. The leucine at codon 1397 is replaced by proline, an amino acid with similar properties. This amino acid position is highly conserved in available vertebrate species. In addition, this alteration is predicted to be deleterious by in silico analysis. Since supporting evidence is limited at this time, the clinical significance of this alteration remains unclear.